The following is an entry in ClinVar:

NM_001711.6(BGN):c.641G>A (p.Arg214His)

Gene: BGN (biglycan; plus strand). Cytogenetic location: Xq28.
Variant type: single nucleotide variant.
Coding change: c.641G>A on transcript NM_001711.6 (MANE Select); coding-DNA position 641, G replaced by A.
Protein change: p.Arg214His; replaces arginine 214 with histidine.
Molecular consequence: missense variant.
Genome position (GRCh38, 1-based): chrX:153,506,604, G>A. VCF-style: chrX-153506604-G-A. GRCh37 (hg19) VCF-style: chrX-152772062-G-A.
Other names: p.(Arg214His); short protein forms R214H.
Identifiers: ClinVar variation 3260840 (VCV003260840.3).
Genomic context (GRCh38, chrX:153,506,604, plus strand): 5'-CACTGGAGAACAGTGGCTTTGAACCTGGAGCCTTCGATGGCCTGAAGCTCAACTACCTGC[G>A]CATCTCAGAGGCCAAGCTGACTGGCATCCCCAAAGGTAGGAAGCCCACTCTTCCTGCACG-3'
Protein context (NP_001702.1, residues 204-224): AFDGLKLNYL[Arg214His]ISEAKLTGIP

ClinVar aggregate classification (germline): Uncertain significance. Review status: criteria provided, multiple submitters, no conflicts (2 of 4 stars). 2 submissions from 2 submitters: Uncertain significance (2). Last evaluated 2024-09-10.

Conditions:
Cardiovascular phenotype. Identifiers: MedGen CN230736.

gnomAD v4.1: 1 of 1,211,230 alleles (0.000083%); no homozygotes.

Submissions (2):

Labcorp Genetics (formerly Invitae), Labcorp
Classification: Uncertain significance. Last evaluated: 2024-09-10. Review status: criteria provided, single submitter. Criteria: Invitae Variant Classification Sherloc (09022015). Collection method: clinical testing. Allele origin: germline.
Comment: This sequence change replaces arginine, which is basic and polar, with histidine, which is basic and polar, at codon 214 of the BGN protein (p.Arg214His). The frequency data for this variant in the population databases is considered unreliable, as metrics indicate poor data quality at this position in the gnomAD database. This variant has not been reported in the literature in individuals affected with BGN-related conditions. Invitae Evidence Modeling of protein sequence and biophysical properties (such as structural, functional, and spatial information, amino acid conservation, physicochemical variation, residue mobility, and thermodynamic stability) indicates that this missense variant is not expected to disrupt BGN protein function with a negative predictive value of 80%. In summary, the available evidence is currently insufficient to determine the role of this variant in disease. Therefore, it has been classified as a Variant of Uncertain Significance.

Ambry Genetics
Classification: Uncertain significance for Cardiovascular phenotype. Last evaluated: 2024-06-14. Review status: criteria provided, single submitter. Criteria: Ambry Variant Classification Scheme 2023. Collection method: clinical testing. Allele origin: germline.
Comment: The p.R214H variant (also known as c.641G>A), located in coding exon 4 of the BGN gene, results from a G to A substitution at nucleotide position 641. The arginine at codon 214 is replaced by histidine, an amino acid with highly similar properties. This amino acid position is well conserved in available vertebrate species. In addition, the in silico prediction for this alteration is inconclusive. Based on data from gnomAD, the A allele has an overall frequency of 0.0005% (1/183166) total alleles studied, with 1 hemizygote(s) observed. The highest observed frequency was 0.0134%% (1/7467) of Ashkenazi Jewish alleles. Based on the available evidence, the clinical significance of this variant remains unclear.